The following is an entry in ClinVar:

ClinVar aggregate classification (germline): Uncertain significance (1 of 4 stars; one submission).

Conditions:
Inborn genetic diseases. Identifiers: MedGen C0950123, MeSH D030342.

gnomAD v4.1: 1 of 1,614,074 alleles (0.000062%); highest among the groups gnomAD compares: Non-Finnish European, 0.000085%; no homozygotes.

Submission:

Ambry Genetics
Classification: Uncertain significance for Inborn genetic diseases. Last evaluated: 2024-12-13. Review status: criteria provided, single submitter. Criteria: Ambry Variant Classification Scheme 2023. Collection method: clinical testing. Allele origin: germline.
Comment: The p.I562M variant (also known as c.1686C>G), located in coding exon 12 of the BMPR2 gene, results from a C to G substitution at nucleotide position 1686. The isoleucine at codon 562 is replaced by methionine, an amino acid with highly similar properties. This amino acid position is conserved. In addition, this alteration is predicted to be tolerated by in silico analysis. Based on the available evidence, the clinical significance of this variant remains unclear.

NM_001204.7(BMPR2):c.1686C>G (p.Ile562Met)

Gene: BMPR2 (bone morphogenetic protein receptor type 2; plus strand). Cytogenetic location: 2q33.2.
Variant type: single nucleotide variant.
Coding change: c.1686C>G on transcript NM_001204.7 (MANE Select); coding-DNA position 1686, C replaced by G.
Protein change: p.Ile562Met; replaces isoleucine 562 with methionine.
Molecular consequence: missense variant.
Genome position (GRCh38, 1-based): chr2:202,555,351, C>G. VCF-style: chr2-202555351-C-G. GRCh37 (hg19) VCF-style: chr2-203420074-C-G.
Other names: short protein forms I562M.
Identifiers: ClinVar variation 3824740 (VCV003824740.1).